The following is an entry in ClinVar:

NM_138694.4(PKHD1):c.5201C>G (p.Ser1734Ter)

Genes: PKHD1 (PKHD1 ciliary IPT domain containing fibrocystin/polyductin; minus strand), LOC126859690 (MED14-independent group 3 enhancer GRCh37_chr6:51888848-51890047; plus strand). Cytogenetic location: 6p12.2.
Variant type: single nucleotide variant.
Coding change: c.5201C>G on transcript NM_138694.4 (MANE Select); coding-DNA position 5201, C replaced by G.
Protein change: p.Ser1734Ter; replaces serine 1734 with a stop codon.
Molecular consequence: nonsense.
Genome position (GRCh38, 1-based): chr6:52,024,609, G>C on the plus strand (C>G on the coding strand, the complement: PKHD1 is on the minus strand). VCF-style: chr6-52024609-G-C. GRCh37 (hg19) VCF-style: chr6-51889407-G-C.
Other names: c.5201C>G, p.Ser1734Ter (NM_170724.3); short protein forms S1734*.
Identifiers: ClinVar variation 4816687 (VCV004816687.1).

ClinVar aggregate classification (germline): Likely pathogenic (1 of 4 stars; one submission).

Conditions:
Autosomal recessive polycystic kidney disease (ARPKD). Also called: AR polycystic kidney disease. Identifiers: Orphanet 731, Orphanet 8378, MedGen C0085548, MeSH D017044, MONDO:0009889.

Submission:

Natera, Inc.
Classification: Likely pathogenic for Autosomal recessive polycystic kidney disease. Last evaluated: 2024-04-25. Review status: criteria provided, single submitter. Criteria: Natera Variant Classification Schema (03/2026). Collection method: clinical testing. Allele origin: germline.
Comment: The c.5201C>G variant in PKHD1 is a nonsense variant predicted to introduce a stop codon at amino acid 1734. This variant is expected to result in nonsense mediated decay, truncation, or a dysfunctional protein product. This variant is rare in the general population with a frequency below the threshold expected for the associated phenotype(s). Given the available evidence, this variant is classified as Likely Pathogenic.